The following is an entry in ClinVar:

ClinVar aggregate classification (germline): Likely pathogenic (1 of 4 stars; one submission).

Conditions:
LAMA2-related muscular dystrophy (LAMA2-RD). Also called: Laminin alpha 2-related dystrophy. Identifiers: MedGen C5679788, MONDO:0100228.

Submission:

Myriad Genetics, Inc.
Classification: Likely pathogenic for LAMA2-related muscular dystrophy. Last evaluated: 2025-10-29. Review status: criteria provided, single submitter. Criteria: Myriad Autosomal Dominant, Autosomal Recessive and X-Linked Classification Criteria (2023). Collection method: clinical testing. Allele origin: unknown.
Comment: NM_000426.3(LAMA2):c.6275-1G>A is a variant in a canonical splice site classified as likely pathogenic in the context of muscular dystrophy, LAMA2-related. c.6275-1G>A has not been observed in cases with relevant disease. Relevant functional assessments of this variant are not available in the literature. c.6275-1G>A has not been observed in referenced population frequency databases. In summary, NM_000426.3(LAMA2):c.6275-1G>A is a variant in a canonical splice site in a gene where loss of function is a known mechanism of disease and is predicted to disrupt protein function. Please note: this variant was assessed in the context of healthy population screening.

NM_000426.4(LAMA2):c.6275-1G>A

Gene: LAMA2 (laminin subunit alpha 2; plus strand). Cytogenetic location: 6q22.33.
Variant type: single nucleotide variant.
Coding change: c.6275-1G>A on transcript NM_000426.4 (MANE Select); the canonical splice acceptor site of the intron before coding-DNA position 6275, G replaced by A.
Molecular consequence: splice acceptor variant.
Genome position (GRCh38, 1-based): chr6:129,445,666, G>A. VCF-style: chr6-129445666-G-A. GRCh37 (hg19) VCF-style: chr6-129766811-G-A.
Other names: c.6275-1G>A (NM_001079823.2).
Identifiers: ClinVar variation 5003392 (VCV005003392.1).